The following is an entry in ClinVar:

ClinVar aggregate classification (germline): Uncertain significance (1 of 4 stars; one submission).

Submission:

GeneDx
Classification: Uncertain significance. Last evaluated: 2025-03-19. Review status: criteria provided, single submitter. Criteria: GeneDx Variant Classification Process June 2021. Collection method: clinical testing. Allele origin: germline. Affected: yes.
Comment: Not observed at significant frequency in large population cohorts (gnomAD); In silico analysis supports that this missense variant has a deleterious effect on protein structure/function; Has not been previously published as pathogenic or benign to our knowledge

NM_170606.3(KMT2C):c.13984G>A (p.Asp4662Asn)

Gene: KMT2C (lysine methyltransferase 2C; minus strand). Cytogenetic location: 7q36.1.
Variant type: single nucleotide variant.
Coding change: c.13984G>A on transcript NM_170606.3 (MANE Select); coding-DNA position 13984, G replaced by A.
Protein change: p.Asp4662Asn; replaces aspartic acid 4662 with asparagine.
Molecular consequence: missense variant.
Genome position (GRCh38, 1-based): chr7:152,146,646, C>T on the plus strand (G>A on the coding strand, the complement: KMT2C is on the minus strand). VCF-style: chr7-152146646-C-T. GRCh37 (hg19) VCF-style: chr7-151843731-C-T.
Other names: short protein forms D4662N.
Identifiers: ClinVar variation 4086627 (VCV004086627.1).
Genomic context (GRCh38, chr7:152,146,646, plus strand): 5'-CCAAGACACTCACTGATTCCGCTATGCGTGCCACTGCAGAGACGGTCAGGCCAAACAGAT[C>T]CTCTCCTTTTAAATACGCTGGGAAAAGCTGGAGCATTTCAGACTTTTTTCTCACACATGC-3'
Protein context (NP_733751.2, residues 4652-4672): QLFPAYLKGE[Asp4662Asn]LFGLTVSAVA